The following is an entry in ClinVar:

ClinVar aggregate classification (germline): Uncertain significance (1 of 4 stars; one submission).

Conditions:
Zellweger spectrum disorders (ZS). Also called: Zellweger Spectrum Disorder; Zellweger Spectrum; Zellweger Spectrum Disorder (ZSD); Zellweger syndrome. Identifiers: Orphanet 912, MedGen C0043459, MONDO:0019609.

Allele frequency attached by ClinVar (database versions not stated): gnomAD exomes below 0.00001.

Submission:

Labcorp Genetics (formerly Invitae), Labcorp
Classification: Uncertain significance for Zellweger spectrum disorders. Last evaluated: 2021-12-29. Review status: criteria provided, single submitter. Criteria: Invitae Variant Classification Sherloc (09022015). Collection method: clinical testing. Allele origin: germline.
Comment: In summary, the available evidence is currently insufficient to determine the role of this variant in disease. Therefore, it has been classified as a Variant of Uncertain Significance. Algorithms developed to predict the effect of missense changes on protein structure and function are either unavailable or do not agree on the potential impact of this missense change (SIFT: "Deleterious"; PolyPhen-2: "Probably Damaging"; Align-GVGD: "Class C0"). This variant has not been reported in the literature in individuals affected with PEX1-related conditions. This variant is not present in population databases (gnomAD no frequency). This sequence change replaces arginine, which is basic and polar, with tryptophan, which is neutral and slightly polar, at codon 33 of the PEX1 protein (p.Arg33Trp).

NM_000466.3(PEX1):c.97C>T (p.Arg33Trp)

Gene: PEX1 (peroxisomal biogenesis factor 1; minus strand). Cytogenetic location: 7q21.2.
Variant type: single nucleotide variant.
Coding change: c.97C>T on transcript NM_000466.3 (MANE Select); coding-DNA position 97, C replaced by T.
Protein change: p.Arg33Trp; replaces arginine 33 with tryptophan.
Molecular consequence: missense variant. On other transcripts: 5 prime UTR variant (1).
Genome position (GRCh38, 1-based): chr7:92,528,339, G>A on the plus strand (C>T on the coding strand, the complement: PEX1 is on the minus strand). VCF-style: chr7-92528339-G-A. GRCh37 (hg19) VCF-style: chr7-92157653-G-A.
Other names: c.97C>T, p.Arg33Trp (NM_001282677.2); c.-563C>T (NM_001282678.2); short protein forms R33W.
Identifiers: ClinVar variation 1973859 (VCV001973859.3), dbSNP rs2484725548, ClinGen allele CA368207360.